The following is an entry in ClinVar:

NM_206933.4(USH2A):c.4628-2A>T

Gene: USH2A (usherin; minus strand). Cytogenetic location: 1q41.
Variant type: single nucleotide variant.
Coding change: c.4628-2A>T on transcript NM_206933.4 (MANE Select); the canonical splice acceptor site of the intron before coding-DNA position 4628, A replaced by T.
Molecular consequence: splice acceptor variant.
Genome position (GRCh38, 1-based): chr1:216,097,215, T>A on the plus strand (A>T on the coding strand, the complement: USH2A is on the minus strand). VCF-style: chr1-216097215-T-A. GRCh37 (hg19) VCF-style: chr1-216270557-T-A.
Identifiers: ClinVar variation 2663179 (VCV002663179.6), dbSNP rs2032462132, ClinGen allele CA344861485.
Genomic context (GRCh38, chr1:216,097,215, plus strand): 5'-TGATGCTGCAAAGACAATCAAACCTTCAGGCACTTTTGTTCGAAAGCTGGCCTTAATGCC[T>A]GGTAAGACAAGTGTGATCAGCAAATCAGTGCTGGGGTTTTGTTGATTCTTTCTGATAAAT-3'

ClinVar aggregate classification (germline): Pathogenic. Review status: criteria provided, multiple submitters, no conflicts (2 of 4 stars). 4 submissions from 4 submitters: Pathogenic (4). Last evaluated 2023-11-21.

Conditions:
Usher syndrome type 2A. Also called: RETINAL DISEASE IN USHER SYNDROME TYPE IIA, MODIFIER OF; USHER SYNDROME, TYPE IIA. Identifiers: Orphanet 231178, Orphanet 886, MedGen C1848634, MONDO:0010169, OMIM 276901.
Retinitis pigmentosa 39 (RP39). Identifiers: Orphanet 791, MedGen C3151138, MONDO:0013436, OMIM 613809.

Submissions (4):

Labcorp Genetics (formerly Invitae), Labcorp
Classification: Pathogenic. Last evaluated: 2023-11-21. Review status: criteria provided, single submitter. Criteria: Invitae Variant Classification Sherloc (09022015). Collection method: clinical testing. Allele origin: germline.
Comment: This sequence change affects an acceptor splice site in intron 21 of the USH2A gene. It is expected to disrupt RNA splicing. Variants that disrupt the donor or acceptor splice site typically lead to a loss of protein function (PMID: 16199547), and loss-of-function variants in USH2A are known to be pathogenic (PMID: 10729113, 10909849, 20507924, 25649381). This variant is not present in population databases (gnomAD no frequency). Disruption of this splice site has been observed in individuals with retinitis pigmentosa and/or Usher Syndrome (PMID: 32531858, 34148116). Algorithms developed to predict the effect of sequence changes on RNA splicing suggest that this variant may disrupt the consensus splice site. For these reasons, this variant has been classified as Pathogenic.

GeneDx
Classification: Pathogenic. Last evaluated: 2023-05-05. Review status: criteria provided, single submitter. Criteria: GeneDx Variant Classification Process June 2021. Collection method: clinical testing. Allele origin: germline. Affected: yes.
Comment: Reported with a second variant (phase unknown) in a patient with hearing impairment and retinal degeneration in published literature (Bahena et al., 2022); additional clinical information not provided; Canonical splice site variant predicted to result in a null allele in a gene for which loss of function is a known mechanism of disease; Not observed at significant frequency in large population cohorts (gnomAD); This variant is associated with the following publications: (PMID: 34148116, 34000280)

Baylor Genetics
Classification: Pathogenic for Retinitis pigmentosa 39. Last evaluated: 2022-09-13. Review status: criteria provided, single submitter. Criteria: ACMG Guidelines, 2015. Collection method: clinical testing. Allele origin: unknown.

Kariminejad - Najmabadi Pathology & Genetics Center
Classification: Pathogenic for Usher syndrome type 2A. Review status: criteria provided, single submitter. Criteria: ACMG Guidelines, 2015. Collection method: clinical testing. Allele origin: germline. Affected: no.

Literature cited by the submitters: PubMed 16199547 (cited by Labcorp Genetics (formerly Invitae), Labcorp); PubMed 10729113 (cited by Labcorp Genetics (formerly Invitae), Labcorp); PubMed 10909849 (cited by Labcorp Genetics (formerly Invitae), Labcorp); PubMed 20507924 (cited by Labcorp Genetics (formerly Invitae), Labcorp); PubMed 25649381 (cited by Labcorp Genetics (formerly Invitae), Labcorp); PubMed 32531858 (cited by Labcorp Genetics (formerly Invitae), Labcorp); PubMed 34148116 (cited by Labcorp Genetics (formerly Invitae), Labcorp).